The following is an entry in ClinVar:

NM_001012301.4(ARSI):c.184G>A (p.Val62Met)

Gene: ARSI (arylsulfatase family member I; minus strand). Cytogenetic location: 5q32.
Variant type: single nucleotide variant.
Coding change: c.184G>A on transcript NM_001012301.4 (MANE Select); coding-DNA position 184, G replaced by A.
Protein change: p.Val62Met; replaces valine 62 with methionine.
Molecular consequence: missense variant.
Genome position (GRCh38, 1-based): chr5:150,302,190, C>T on the plus strand (G>A on the coding strand, the complement: ARSI is on the minus strand). VCF-style: chr5-150302190-C-T. GRCh37 (hg19) VCF-style: chr5-149681753-C-T.
Other names: short protein forms V62M.
Identifiers: ClinVar variation 2722444 (VCV002722444.3), dbSNP rs1175590084, ClinGen allele CA361737781.

ClinVar aggregate classification (germline): Uncertain significance (1 of 4 stars; one submission).

Conditions:
Spastic paraplegia. Identifiers: MedGen C0037772, HP:0001258.

Submission:

Labcorp Genetics (formerly Invitae), Labcorp
Classification: Uncertain significance for Spastic paraplegia. Last evaluated: 2022-11-01. Review status: criteria provided, single submitter. Criteria: Invitae Variant Classification Sherloc (09022015). Collection method: clinical testing. Allele origin: germline.
Comment: In summary, the available evidence is currently insufficient to determine the role of this variant in disease. Therefore, it has been classified as a Variant of Uncertain Significance. Advanced modeling of protein sequence and biophysical properties (such as structural, functional, and spatial information, amino acid conservation, physicochemical variation, residue mobility, and thermodynamic stability) has been performed at Invitae for this missense variant, however the output from this modeling did not meet the statistical confidence thresholds required to predict the impact of this variant on ARSI protein function. This variant has not been reported in the literature in individuals affected with ARSI-related conditions. This variant is not present in population databases (gnomAD no frequency). This sequence change replaces valine, which is neutral and non-polar, with methionine, which is neutral and non-polar, at codon 62 of the ARSI protein (p.Val62Met).